The following is an entry in ClinVar:

NM_000135.4(FANCA):c.1549C>T (p.Arg517Trp)

Gene: FANCA (FA complementation group A; minus strand). Cytogenetic location: 16q24.3.
Variant type: single nucleotide variant.
Coding change: c.1549C>T on transcript NM_000135.4 (MANE Select); coding-DNA position 1549, C replaced by T.
Protein change: p.Arg517Trp; replaces arginine 517 with tryptophan.
Molecular consequence: missense variant.
Genome position (GRCh38, 1-based): chr16:89,783,024, G>A on the plus strand (C>T on the coding strand, the complement: FANCA is on the minus strand). VCF-style: chr16-89783024-G-A. GRCh37 (hg19) VCF-style: chr16-89849432-G-A.
Other names: c.1549C>T (LRG_495t1, NM_000135.3); c.1549C>T, p.Arg517Trp (NM_001286167.3); short protein forms R517W.
Identifiers: ClinVar variation 134243 (VCV000134243.13), dbSNP rs587778309, ClinGen allele CA159244.

ClinVar aggregate classification (germline): Uncertain significance. Review status: criteria provided, multiple submitters, no conflicts (2 of 4 stars). 7 submissions from 7 submitters: Uncertain significance (4). 3 of the submissions do not count toward it. Last evaluated 2025-07-09.

Conditions:
Fanconi anemia (FA). Also called: Fanconi's anemia. Identifiers: Orphanet 84, MedGen C0015625, MeSH D005199, MONDO:0019391.
Fanconi anemia complementation group A (FANCA). Also called: Fanconi anemia, group A; FANCA-Related Fanconi Anemia. Identifiers: Orphanet 84, MedGen C3469521, MONDO:0009215, OMIM 227650.

Allele frequency attached by ClinVar (database versions not stated): gnomAD exomes 0.00001 and 0.00008; ExAC 0.00006; gnomAD 0.00011; TOPMed 0.00012.

Submissions (7):

Quest Diagnostics Nichols Institute San Juan Capistrano
Classification: Uncertain significance. Last evaluated: 2025-07-09. Review status: criteria provided, single submitter. Criteria: Quest Diagnostics criteria. Collection method: clinical testing. Allele origin: unknown.
Comment: The FANCA c.1549C>T (p.Arg517Trp) variant has been reported in the published literature to co-occur with a nonsense FANCA variant in an individual with Fanconi anaemia (PMID: 16611311 (2006)), and in a reportedly unaffected individual (PMID: 24728327 (2014)). The frequency of this variant in the general population (Genome Aggregation Database) is uninformative in the assessment of its pathogenicity. Analysis of this variant using bioinformatics tools for the prediction of the effect of amino acid changes on protein structure and function yielded predictions that this variant is damaging. Based on the available information, we are unable to determine the clinical significance of this variant.

Labcorp Genetics (formerly Invitae), Labcorp
Classification: Uncertain significance for Fanconi anemia. Last evaluated: 2025-05-02. Review status: criteria provided, single submitter. Criteria: Invitae Variant Classification Sherloc (09022015). Collection method: clinical testing. Allele origin: germline.
Comment: This sequence change replaces arginine, which is basic and polar, with tryptophan, which is neutral and slightly polar, at codon 517 of the FANCA protein (p.Arg517Trp). This variant is present in population databases (rs587778309, gnomAD 0.05%). This missense change has been observed in individual(s) with Fanconi anemia (PMID: 16611311). ClinVar contains an entry for this variant (Variation ID: 134243). Invitae Evidence Modeling of protein sequence and biophysical properties (such as structural, functional, and spatial information, amino acid conservation, physicochemical variation, residue mobility, and thermodynamic stability) has been performed for this missense variant. However, the output from this modeling did not meet the statistical confidence thresholds required to predict the impact of this variant on FANCA protein function. In summary, the available evidence is currently insufficient to determine the role of this variant in disease. Therefore, it has been classified as a Variant of Uncertain Significance.

Fulgent Genetics
Classification: Uncertain significance for Fanconi anemia complementation group A. Last evaluated: 2024-03-16. Review status: criteria provided, single submitter. Criteria: ACMG Guidelines, 2015. Collection method: clinical testing. Allele origin: germline.

CENTOGENE GmbH and LLC - Guiding Precision Medicine
Classification: Uncertain significance for Fanconi anemia complementation group A. Last evaluated: 2016-03-04. Review status: criteria provided, single submitter. Criteria: ACMG Guidelines, 2015. Collection method: clinical testing. Allele origin: germline. Affected: no.

Natera, Inc.
Classification: Uncertain significance for Fanconi anemia, group A. Last evaluated: 2020-09-16. Review status: no assertion criteria provided. Collection method: clinical testing. Allele origin: germline. Not counted in ClinVar's aggregate classification.

Counsyl
Classification: Uncertain significance for Fanconi anemia complementation group A. Last evaluated: 2017-02-07. Review status: no assertion criteria provided. Collection method: clinical testing. Allele origin: unknown. Not counted in ClinVar's aggregate classification.

ITMI
No classification provided. Condition: AllHighlyPenetrant. Last evaluated: 2013-09-19. Review status: no classification provided. Collection method: reference population. Allele origin: germline. Not counted in ClinVar's aggregate classification.
Comment: Please see associated publication for description of ethnicities

Literature cited by the submitters: PubMed 24728327 (cited by 3 submitters); PubMed 16611311 (cited by 3 submitters).